The following is an entry in ClinVar:

ClinVar aggregate classification (germline): Uncertain significance (1 of 4 stars; one submission).

Submission:

Ambry Genetics
Classification: Uncertain significance. Last evaluated: 2022-04-04. Review status: criteria provided, single submitter. Criteria: Ambry Variant Classification Scheme 2023. Collection method: clinical testing. Allele origin: germline.
Comment: The p.K1046T variant (also known as c.3137A>C), located in coding exon 16 of the POLQ gene, results from an A to C substitution at nucleotide position 3137. The lysine at codon 1046 is replaced by threonine, an amino acid with similar properties. This amino acid position is conserved. In addition, this alteration is predicted to be tolerated by in silico analysis. Since supporting evidence is limited at this time, the clinical significance of this alteration remains unclear.

NM_199420.4(POLQ):c.3137A>C (p.Lys1046Thr)

Gene: POLQ (DNA polymerase theta; minus strand). Cytogenetic location: 3q13.33.
Variant type: single nucleotide variant.
Coding change: c.3137A>C on transcript NM_199420.4 (MANE Select); coding-DNA position 3137, A replaced by C.
Protein change: p.Lys1046Thr; replaces lysine 1046 with threonine.
Molecular consequence: missense variant.
Genome position (GRCh38, 1-based): chr3:121,489,794, T>G on the plus strand (A>C on the coding strand, the complement: POLQ is on the minus strand). VCF-style: chr3-121489794-T-G. GRCh37 (hg19) VCF-style: chr3-121208641-T-G.
Other names: short protein forms K1046T.
Identifiers: ClinVar variation 1728019 (VCV001728019.2), dbSNP rs771272410, ClinGen allele CA354101617.